The following is an entry in ClinVar:

NM_005359.6(SMAD4):c.1063G>A (p.Asp355Asn)

Gene: SMAD4 (SMAD family member 4; plus strand). Cytogenetic location: 18q21.2.
Variant type: single nucleotide variant.
Coding change: c.1063G>A on transcript NM_005359.6 (MANE Select); coding-DNA position 1063, G replaced by A.
Protein change: p.Asp355Asn; replaces aspartic acid 355 with asparagine.
Molecular consequence: missense variant.
Genome position (GRCh38, 1-based): chr18:51,065,530, G>A. VCF-style: chr18-51065530-G-A. GRCh37 (hg19) VCF-style: chr18-48591900-G-A.
Other names: c.1063G>A, p.Asp355Asn (NM_001407043.1, NM_001407041.1, NM_001407042.1); short protein forms D355N.
Identifiers: ClinVar variation 2106122 (VCV002106122.4), dbSNP rs2144447235, ClinGen allele CA402464307.

ClinVar aggregate classification (germline): Uncertain significance (1 of 4 stars; one submission).

Conditions:
Juvenile polyposis syndrome (JPS). Identifiers: Orphanet 2929, MedGen C0345893, MONDO:0017380, OMIM 174900.

Allele frequency attached by ClinVar (database versions not stated): gnomAD exomes below 0.00001.
gnomAD v4.1: 1 of 1,614,164 alleles (0.000062%); highest among the groups gnomAD compares: Non-Finnish European, 0.000085%; no homozygotes.

Submission:

Labcorp Genetics (formerly Invitae), Labcorp
Classification: Uncertain significance for Juvenile polyposis syndrome. Last evaluated: 2022-08-26. Review status: criteria provided, single submitter. Criteria: Invitae Variant Classification Sherloc (09022015). Collection method: clinical testing. Allele origin: germline.
Comment: In summary, the available evidence is currently insufficient to determine the role of this variant in disease. Therefore, it has been classified as a Variant of Uncertain Significance. Algorithms developed to predict the effect of missense changes on protein structure and function are either unavailable or do not agree on the potential impact of this missense change (SIFT: "Deleterious"; PolyPhen-2: "Probably Damaging"; Align-GVGD: "Class C0"). This variant has not been reported in the literature in individuals affected with SMAD4-related conditions. This variant is not present in population databases (gnomAD no frequency). This sequence change replaces aspartic acid, which is acidic and polar, with asparagine, which is neutral and polar, at codon 355 of the SMAD4 protein (p.Asp355Asn).